The following is an entry in ClinVar:

ClinVar aggregate classification (germline): Uncertain significance. Review status: criteria provided, multiple submitters, no conflicts (2 of 4 stars). 2 submissions from 2 submitters: Uncertain significance (2). Last evaluated 2026-04-11.

Conditions:
Neurofibromatosis, type 1 (NF1). Also called: Neurofibromatosis, type I; VON RECKLINGHAUSEN DISEASE; NEUROFIBROMATOSIS, TYPE I, SOMATIC; Peripheral type neurofibromatosis. Identifiers: Orphanet 636, MedGen C0027831, MONDO:0018975, OMIM 162200. Disease mechanism: loss of function.
Cardiovascular phenotype. Identifiers: MedGen CN230736.
Hereditary cancer-predisposing syndrome. Also called: Hereditary Cancer Syndrome; Hereditary neoplastic syndrome; Neoplastic Syndromes, Hereditary; Tumor predisposition. Identifiers: Orphanet 140162, MedGen C0027672, MeSH D009386, MONDO:0015356.

Submissions (2):

Ambry Genetics
Classification: Uncertain significance for Cardiovascular phenotype; Hereditary cancer-predisposing syndrome. Last evaluated: 2026-04-11. Review status: criteria provided, single submitter. Criteria: Ambry Variant Classification Scheme 2023. Collection method: clinical testing. Allele origin: germline.
Comment: The p.K2631Q variant (also known as c.7891A>C), located in coding exon 53 of the NF1 gene, results from an A to C substitution at nucleotide position 7891. The lysine at codon 2631 is replaced by glutamine, an amino acid with similar properties. This amino acid position is conserved. In addition, this alteration is predicted to be tolerated by in silico analysis. Based on the available evidence, the clinical significance of this variant remains unclear.

Labcorp Genetics (formerly Invitae), Labcorp
Classification: Uncertain significance for Neurofibromatosis, type 1. Last evaluated: 2024-10-07. Review status: criteria provided, single submitter. Criteria: Invitae Variant Classification Sherloc (09022015). Collection method: clinical testing. Allele origin: germline.
Comment: This sequence change replaces lysine, which is basic and polar, with glutamine, which is neutral and polar, at codon 2631 of the NF1 protein (p.Lys2631Gln). This variant is not present in population databases (gnomAD no frequency). This variant has not been reported in the literature in individuals affected with NF1-related conditions. Invitae Evidence Modeling of protein sequence and biophysical properties (such as structural, functional, and spatial information, amino acid conservation, physicochemical variation, residue mobility, and thermodynamic stability) indicates that this missense variant is not expected to disrupt NF1 protein function with a negative predictive value of 95%. In summary, the available evidence is currently insufficient to determine the role of this variant in disease. Therefore, it has been classified as a Variant of Uncertain Significance.

NM_001042492.3(NF1):c.7954A>C (p.Lys2652Gln)

Gene: NF1 (neurofibromin 1; plus strand). Cytogenetic location: 17q11.2.
Variant type: single nucleotide variant.
Coding change: c.7954A>C on transcript NM_001042492.3 (MANE Select); coding-DNA position 7954, A replaced by C.
Protein change: p.Lys2652Gln; replaces lysine 2652 with glutamine.
Molecular consequence: missense variant.
Genome position (GRCh38, 1-based): chr17:31,357,353, A>C. VCF-style: chr17-31357353-A-C. GRCh37 (hg19) VCF-style: chr17-29684371-A-C.
Other names: c.7891A>C, p.Lys2631Gln (NM_000267.4); short protein forms K2652Q, K2631Q.
Identifiers: ClinVar variation 3701822 (VCV003701822.3).